The following is an entry in ClinVar:

ClinVar aggregate classification (germline): Benign/Likely benign. Review status: criteria provided, multiple submitters, no conflicts (2 of 4 stars). 3 submissions from 3 submitters: Benign (2); Likely benign (1). Last evaluated 2022-09-01.

Allele frequency attached by ClinVar (database versions not stated): 1000 Genomes Project 30x 0.00156; 1000 Genomes Project 0.00160; TOPMed 0.00261; ESP Exome Variant Server 0.00361; gnomAD exomes 0.00544 and 0.00603; ExAC 0.00560; gnomAD 0.00591 and 0.00624.
gnomAD v4.1: 8,623 of 1,590,714 alleles (0.54%); highest among the groups gnomAD compares: Non-Finnish European, 0.54%; 52 homozygotes.

Submissions (6):

CeGaT Center for Human Genetics Tuebingen
Classification: Likely benign. Last evaluated: 2022-09-01. Review status: criteria provided, single submitter. Criteria: CeGaT Center For Human Genetics Tuebingen Variant Classification Criteria Version 2. Collection method: clinical testing. Allele origin: germline. Affected: yes. Observed: 2 variant alleles.
Comment: HRNR: BP4, BP7

Labcorp Genetics (formerly Invitae), Labcorp
Classification: Benign. Last evaluated: 2019-12-31. Review status: criteria provided, single submitter. Criteria: Invitae Variant Classification Sherloc (09022015). Collection method: clinical testing. Allele origin: germline.

Breakthrough Genomics
Classification: Benign. Review status: criteria provided, single submitter. Criteria: ACMG Guidelines, 2015. Collection method: not provided. Allele origin: germline. Inheritance: Unknown mechanism. Affected: yes.

Dr. Peter K. Rogan Lab, Western University
No classification provided (evidence only). Condition: Familial cancer of breast. Review status: no classification provided. Collection method: in vitro. Allele origin: not applicable. Functional consequence: retained intron. Not counted in ClinVar's aggregate classification.

Dr. Peter K. Rogan Lab, Western University
No classification provided (evidence only). Condition: Thyroid cancer, nonmedullary, 1. Review status: no classification provided. Collection method: in vitro. Allele origin: not applicable. Functional consequence: retained intron. Not counted in ClinVar's aggregate classification.

Dr. Peter K. Rogan Lab, Western University
No classification provided (evidence only). Condition: Thyroid cancer, nonmedullary, 1. Review status: no classification provided. Collection method: in vitro. Allele origin: not applicable. Functional consequence: retained intron. Not counted in ClinVar's aggregate classification.

NM_001009931.3(HRNR):c.21C>T (p.Gly7=)

Genes: CCDST (cervical cancer associated DHX9 suppressive transcript; plus strand), HRNR (hornerin; minus strand). Cytogenetic location: 1q21.3.
Variant type: single nucleotide variant.
Coding change: c.21C>T on transcript NM_001009931.3 (MANE Select); coding-DNA position 21, C replaced by T.
Protein change: p.Gly7=; no amino-acid change (glycine 7 retained).
Molecular consequence: synonymous variant.
Genome position (GRCh38, 1-based): chr1:152,223,233, G>A on the plus strand (C>T on the coding strand, the complement: HRNR is on the minus strand). VCF-style: chr1-152223233-G-A. GRCh37 (hg19) VCF-style: chr1-152195709-G-A.
Other names: NC_000001.10:g.152195709G>A.
Identifiers: ClinVar variation 770329 (VCV000770329.30), dbSNP rs140649841, ClinGen allele CA1102646.
Genomic context (GRCh38, chr1:152,223,233, plus strand): 5'-CGTATCATACTCCCCATGCTGGGTGGCATATTGGTAGAAAACATCGATGACAGTGATGAC[G>A]CCTTGTAGGAGTTTAGGCATTTTTTTTTTTGCAAGTTTGAGTAACCTAAAGGGAGGAAAA-3'
Protein context (NP_001009931.1, residues 1-17): MPKLLQ[Gly7=]VITVIDVFYQ